The following is an entry in ClinVar:

NM_020738.4(KIDINS220):c.4504C>G (p.Leu1502Val)

Gene: KIDINS220 (kinase D interacting substrate 220; minus strand). Cytogenetic location: 2p25.1.
Variant type: single nucleotide variant.
Coding change: c.4504C>G on transcript NM_020738.4 (MANE Select); coding-DNA position 4504, C replaced by G.
Protein change: p.Leu1502Val; replaces leucine 1502 with valine.
Molecular consequence: missense variant. On other transcripts: intron variant (6).
Genome position (GRCh38, 1-based): chr2:8,731,532, G>C on the plus strand (C>G on the coding strand, the complement: KIDINS220 is on the minus strand). VCF-style: chr2-8731532-G-C. GRCh37 (hg19) VCF-style: chr2-8871662-G-C.
Other names: c.4507C>G, p.Leu1503Val (NM_001348729.2); c.4450C>G, p.Leu1484Val (NM_001348731.2); c.4447C>G, p.Leu1483Val (NM_001348732.2); c.4336C>G, p.Leu1446Val (NM_001348734.2); c.4333C>G, p.Leu1445Val (NM_001348735.2); c.4207C>G, p.Leu1403Val (NM_001348736.2); c.3882+1912C>G (NM_001348741.2, NM_001348742.2, NM_001348743.2); c.3996+1912C>G (NM_001348738.2); and 1 more; short protein forms L1403V, L1445V, L1446V, L1483V, L1484V, L1502V, L1503V.
Identifiers: ClinVar variation 1302531 (VCV001302531.10), dbSNP rs754570546, ClinGen allele CA1519359.

ClinVar aggregate classification (germline): Uncertain significance. Review status: criteria provided, multiple submitters, no conflicts (2 of 4 stars). 2 submissions from 2 submitters: Uncertain significance (2). Last evaluated 2025-01-06.

Allele frequency attached by ClinVar (database versions not stated): gnomAD exomes below 0.00001 and 0.00001; ExAC 0.00001; TOPMed 0.00001.
gnomAD v4.1: 11 of 1,614,204 alleles (0.00068%); highest among the groups gnomAD compares: Non-Finnish European, 0.00093%; no homozygotes.

Submissions (2):

Labcorp Genetics (formerly Invitae), Labcorp
Classification: Uncertain significance. Last evaluated: 2025-01-06. Review status: criteria provided, single submitter. Criteria: Invitae Variant Classification Sherloc (09022015). Collection method: clinical testing. Allele origin: germline.
Comment: This sequence change replaces leucine, which is neutral and non-polar, with valine, which is neutral and non-polar, at codon 1502 of the KIDINS220 protein (p.Leu1502Val). This variant is present in population databases (rs754570546, gnomAD 0.0009%). This variant has not been reported in the literature in individuals affected with KIDINS220-related conditions. ClinVar contains an entry for this variant (Variation ID: 1302531). An algorithm developed to predict the effect of missense changes on protein structure and function (PolyPhen-2) suggests that this variant is likely to be tolerated. In summary, the available evidence is currently insufficient to determine the role of this variant in disease. Therefore, it has been classified as a Variant of Uncertain Significance.

GeneDx
Classification: Uncertain significance. Last evaluated: 2024-04-30. Review status: criteria provided, single submitter. Criteria: GeneDx Variant Classification Process June 2021. Collection method: clinical testing. Allele origin: germline. Affected: yes.
Comment: Has not been previously published as pathogenic or benign to our knowledge; In silico analysis indicates that this missense variant does not alter protein structure/function